The following is an entry in ClinVar:

ClinVar aggregate classification (germline): Conflicting classifications of pathogenicity. Review status: criteria provided, conflicting classifications (1 of 4 stars). 3 submissions from 3 submitters: Uncertain significance (2); Likely benign (1). Last evaluated 2026-04-23.

Conditions:
Chuvash polycythemia. Also called: POLYCYTHEMIA, VHL-DEPENDENT. Identifiers: Orphanet 238557, MedGen C1837915, MONDO:0009892, OMIM 263400.
Von Hippel-Lindau syndrome (VHLS). Also called: von Hippel–Lindau syndrome; VHL syndrome; Von Hippel-Lindau. Identifiers: Orphanet 892, MedGen C0019562, MONDO:0008667, OMIM 193300. Disease mechanism: loss of function.
Hereditary cancer-predisposing syndrome. Also called: Hereditary Cancer Syndrome; Tumor predisposition; Hereditary neoplastic syndrome; Neoplastic Syndromes, Hereditary. Identifiers: Orphanet 140162, MedGen C0027672, MeSH D009386, MONDO:0015356.

Allele frequency attached by ClinVar (database versions not stated): gnomAD exomes below 0.00001 and 0.00001; TOPMed below 0.00001.

Submissions (3):

Ambry Genetics
Classification: Likely benign for Hereditary cancer-predisposing syndrome. Last evaluated: 2026-04-23. Review status: criteria provided, single submitter. Criteria: Ambry Variant Classification Scheme 2023. Collection method: clinical testing. Allele origin: germline.

Labcorp Genetics (formerly Invitae), Labcorp
Classification: Uncertain significance for Von Hippel-Lindau syndrome; Chuvash polycythemia. Last evaluated: 2024-12-12. Review status: criteria provided, single submitter. Criteria: Invitae Variant Classification Sherloc (09022015). Collection method: clinical testing. Allele origin: germline.
Comment: This sequence change replaces asparagine, which is neutral and polar, with tyrosine, which is neutral and polar, at codon 174 of the VHL protein (p.Asn174Tyr). This variant is present in population databases (no rsID available, gnomAD 0.0009%). This variant has not been reported in the literature in individuals affected with VHL-related conditions. ClinVar contains an entry for this variant (Variation ID: 411983). Invitae Evidence Modeling of protein sequence and biophysical properties (such as structural, functional, and spatial information, amino acid conservation, physicochemical variation, residue mobility, and thermodynamic stability) indicates that this missense variant is expected to disrupt VHL protein function with a positive predictive value of 95%. In summary, the available evidence is currently insufficient to determine the role of this variant in disease. Therefore, it has been classified as a Variant of Uncertain Significance.

All of Us Research Program, National Institutes of Health
Classification: Uncertain significance for Von Hippel-Lindau syndrome. Last evaluated: 2023-11-20. Review status: criteria provided, single submitter. Criteria: ACMG Guidelines, 2015. Collection method: clinical testing. Allele origin: germline. Inheritance: Autosomal dominant inheritance. Observed: 2 variant alleles, 2 heterozygotes.
Comment: This missense variant replaces asparagine with tyrosine at codon 174 of the VHL protein. Computational prediction is inconclusive regarding the impact of this variant on protein structure and function (internally defined REVEL score threshold 0.5 < inconclusive < 0.7, PMID: 27666373). To our knowledge, functional studies have not been reported for this variant. This variant has not been reported in individuals affected with hereditary cancer in the literature. This variant has been identified in 1/251452 chromosomes in the general population by the Genome Aggregation Database (gnomAD). The available evidence is insufficient to determine the role of this variant in disease conclusively. Therefore, this variant is classified as a Variant of Uncertain Significance.

This study involves interpretation of variants in research participants for the purpose of population health screening. Participant phenotype was not available at the time of variant classification. Additional details can be found in publication PMID: 35346344, PMCID: PMC8962531

Literature cited by the submitters: PubMed 38969834 (cited by Ambry Genetics).

NM_000551.4(VHL):c.520A>T (p.Asn174Tyr)

Genes: VHL (von Hippel-Lindau tumor suppressor; plus strand), LOC107303340 (3p25 von Hippel-Lindau tumor suppressor, E3 ubiquitin protein ligase Alu-mediated recombination region; plus strand). Cytogenetic location: 3p25.3.
Variant type: single nucleotide variant.
Coding change: c.520A>T on transcript NM_000551.4 (MANE Select); coding-DNA position 520, A replaced by T.
Protein change: p.Asn174Tyr; replaces asparagine 174 with tyrosine.
Molecular consequence: missense variant. On other transcripts: 3 prime UTR variant (1).
Genome position (GRCh38, 1-based): chr3:10,149,843, A>T. VCF-style: chr3-10149843-A-T. GRCh37 (hg19) VCF-style: chr3-10191527-A-T.
Other names: c.*74A>T (NM_001354723.2); c.397A>T, p.Asn133Tyr (NM_198156.3); short protein forms N174Y, N133Y.
Identifiers: ClinVar variation 411983 (VCV000411983.11), dbSNP rs1060503566, ClinGen allele CA16611095.